The following continues an entry in ClinVar:

NM_005609.4(PYGM):c.148C>T (p.Arg50Ter)

Gene: PYGM. ClinVar aggregate classification (germline): Pathogenic/Likely pathogenic. Pathogenic (34); Likely pathogenic (1).

Submissions 40 to 45 of 45:

Department of Pathology and Laboratory Medicine, Sinai Health System
Classification: Pathogenic. Review status: no assertion criteria provided. Collection method: clinical testing. Allele origin: unknown. Affected: yes. Study: The Canadian Open Genetics Repository (COGR). Not counted in ClinVar's aggregate classification.
Comment: The PYGM p.R50* variant is a well-known pathogenic variant known to cause McArdle disease and is the most common pathogenic variant in individuals of European and US descent (Martin_2019_PMID:20301518). The variant was identified in dbSNP (ID: rs116987552), ClinVar (classified as pathogenic by Counsyl, Ambry Genetics, GeneDx, EGL Genetic Diagnostics, Invitae, Laboratory for Molecular Medicine, Center for Pediatric Genomic Medicine, Children's Mercy Hospital and Clinics, Fulgent Genetics, Illumina and Molecular Diagnostics Lab, Nemours Alfred I. duPont Hospital for Children) and LOVD 3.0 (classified as pathogenic). The variant was identified in control databases in 424 of 282854 chromosomes at a frequency of 0.001499 (Genome Aggregation Database March 6, 2019, v2.1.1). The variant was observed in the following populations: European (non-Finnish) in 325 of 129154 chromosomes (freq: 0.002516), Other in 18 of 7226 chromosomes (freq: 0.002491), Latino in 48 of 35440 chromosomes (freq: 0.001354), African in 18 of 24972 chromosomes (freq: 0.000721), European (Finnish) in 12 of 25122 chromosomes (freq: 0.000478), Ashkenazi Jewish in 1 of 10370 chromosomes (freq: 0.000096), East Asian in 1 of 19954 chromosomes (freq: 0.00005), and South Asian in 1 of 30616 chromosomes (freq: 0.000033). The c.148C>T variant leads to a premature stop codon at position 50 which is predicted to lead to a truncated or absent protein and loss of function. Loss of function variants of the PYGM gene are an established mechanism of disease in McArdle disease and is the type of variant known to cause the disorder in the homozygous or compound heterozygous state. The variant occurs outside of the splicing consensus sequence and in silico or computational prediction software programs (SpliceSiteFinder, MaxEntScan, NNSPLICE, GeneSplicer) do not predict a difference in splicing. Mouse models with the p.R50* variant display a McArdle disease phenotype (Nogales-Gadea_2012_PMID:22730558; Brull_2015_PMID: 25873271). In summary, based on the above information this variant meets our laboratoryâ€šÃ„Ã´s criteria to be classified as pathogenic.

Diagnostic Laboratory, Department of Genetics, University Medical Center Groningen
Classification: Pathogenic. Review status: no assertion criteria provided. Collection method: clinical testing. Allele origin: germline. Affected: yes. Study: VKGL Data-share Consensus. Not counted in ClinVar's aggregate classification.

GeneReviews
No classification provided. Condition: Glycogen storage disease, type V. Review status: no classification provided. Collection method: literature only. Allele origin: germline. Affected: yes. Not counted in ClinVar's aggregate classification.

Genome Diagnostics Laboratory, Amsterdam University Medical Center
Classification: Pathogenic. Review status: no assertion criteria provided. Collection method: clinical testing. Allele origin: germline. Affected: yes. Study: VKGL Data-share Consensus. Not counted in ClinVar's aggregate classification.

Genomics England Pilot Project, Genomics England
Classification: Likely pathogenic for Glycogen storage disease, type V. Review status: no assertion criteria provided. Criteria: ACGS Guidelines, 2016. Collection method: clinical testing. Allele origin: germline. Affected: yes. Not counted in ClinVar's aggregate classification.

Practice for Gait Abnormalities, David Pomarino, Competency Network Toe Walking C/o Practice Pomarino
Classification: Likely pathogenic for Tip-toe gait. Last evaluated: 2022-12-19. Review status: flagged submission. Collection method: clinical testing. Allele origin: germline. Affected: yes. Not counted in ClinVar's aggregate classification.
Comment: Toe Walking has various causes, ranging from idiopathic or habitual reasons to an underlying neuromuscular disease. The most observed form of toe walking is idiopathic toe walking (ITW) - a diagnosis of exclusion. ITW occurs in about 5% of children after their second birthday and is a common problem in pediatric orthopedics. In about 70% of these cases, there is spontaneous remission within six months of the onset of ITW. If the toe walk persists, one can assume the presence of a non-idiopathic form of toe walk (n-ITW). In n-ITW, the causes of the abnormal gait are neurological or myogenic. Differential diagnoses such as infantile cerebral palsy, muscular dystrophy, spinal amyotrophy and hereditary motor-sensory neuropathy as well as rare metabolic disorders of the musculature must be considered (Pomarino et al., 2018). In our clinical ITW consultation, we screen children with n-ITW for a genetic form of tiptoe gait using next generation sequencing for gene variants in 49 genes. These are genes in which gene variants can lead to neuromuscular diseases in which an association with toe-tapping gait has been reported or can be suspected due to patients’ clinical symptoms. To the best of our knowledge, this is the first study in which several patients with toe walking displayed heterozygosity for pathogenic or likely pathogenic PYGM mutations and mild symptoms of the metabolic muscle disease McArdle. The findings of our research are in line with recently published observations in heterozygous family members patients with McArdle disease. We should mention that some of the patients in our cohort harbored heterozygous variants in other genes of our gene panel. However, the numbers in this study were too small to workout any resulting combined genetic effects. It is concluded that genetic conditions can contribute to the development of toe walking. Apparently, even a slight genetic weakening of the muscles can lead to changes to the gait pattern. Future studies must show how the pathomechanism can be explained for the PYGM variants and whether there are new therapeutic approaches to be developed based on this research.
ClinVar note: Notes: This gene has insufficient supporting evidence for isolated Tip-Toe Gait.
ClinVar note: Reason: Claim with insufficient supporting evidence

Literature cited by the submitters: PubMed 8316268 (cited by 8 submitters); PubMed 16786513 (cited by 3 submitters); PubMed 21802952 (cited by Labcorp Genetics (formerly Invitae), Labcorp and Illumina Laboratory Services, Illumina); PubMed 22250184 (cited by Labcorp Genetics (formerly Invitae), Labcorp); PubMed 23653251 (cited by 6 submitters); PubMed 22730558 (cited by 5 submitters); PubMed 10918252 (cited by Variantyx, Inc.); PubMed 15979037 (cited by Natera, Inc.); PubMed 29143597 (cited by Ambry Genetics and Victorian Clinical Genetics Services, Murdoch Childrens Research Institute); PubMed 25914343 (cited by Mayo Clinic Laboratories, Mayo Clinic and Illumina Laboratory Services, Illumina); PubMed 35741838 (cited by Women's Health and Genetics/Laboratory Corporation of America, LabCorp); PubMed 20301518 (cited by Dasa and Illumina Laboratory Services, Illumina); PubMed 17324573 (cited by 3 submitters); PubMed 12929201 (cited by Dasa); PubMed 32386344 (cited by Victorian Clinical Genetics Services, Murdoch Childrens Research Institute); PubMed 25740218 (cited by Laboratory for Molecular Medicine, Mass General Brigham Personalized Medicine); PubMed 25873271 (cited by Laboratory for Molecular Medicine, Mass General Brigham Personalized Medicine); PubMed 25240406 (cited by Laboratory for Molecular Medicine, Mass General Brigham Personalized Medicine); PubMed 17404776 (cited by Illumina Laboratory Services, Illumina and GeneReviews); PubMed 1067063 (cited by OMIM); PubMed 3476861 (cited by OMIM); PubMed 2391551 (cited by OMIM); PubMed 8401511 (cited by OMIM); PubMed 9506549 (cited by OMIM); PubMed 11168025 (cited by OMIM); PubMed 14748827 (cited by OMIM); PubMed 17915571 (cited by OMIM); PubMed 9674815 (cited by GeneReviews); PubMed 11706962 (cited by GeneReviews); PubMed 17221871 (cited by GeneReviews); PubMed 9131647 (cited by GeneReviews); PubMed 29881221 (cited by Practice for Gait Abnormalities, David Pomarino, Competency Network Toe Walking C/o Practice Pomarino); DOI 10.1016/j.rchot.2016.09.001 (cited by Practice for Gait Abnormalities, David Pomarino, Competency Network Toe Walking C/o Practice Pomarino); DOI 10.51793/OS.2022.25.6.010 (cited by Practice for Gait Abnormalities, David Pomarino, Competency Network Toe Walking C/o Practice Pomarino).